The following is an entry in ClinVar:

NM_004565.3(PEX14):c.28C>T (p.Pro10Ser)

Gene: PEX14 (peroxisomal biogenesis factor 14; plus strand). Cytogenetic location: 1p36.22.
Variant type: single nucleotide variant.
Coding change: c.28C>T on transcript NM_004565.3 (MANE Select); coding-DNA position 28, C replaced by T.
Protein change: p.Pro10Ser; replaces proline 10 with serine.
Molecular consequence: missense variant.
Genome position (GRCh38, 1-based): chr1:10,474,994, C>T. VCF-style: chr1-10474994-C-T. GRCh37 (hg19) VCF-style: chr1-10535051-C-T.
Other names: short protein forms P10S.
Identifiers: ClinVar variation 1407491 (VCV001407491.9), dbSNP rs1007978005, ClinGen allele CA338357192.

ClinVar aggregate classification (germline): Uncertain significance (1 of 4 stars; one submission).

Conditions:
Peroxisome biogenesis disorder, complementation group K (CGK). Identifiers: MedGen C1866257, MONDO:0800365.

gnomAD v4.1: 1 of 1,610,108 alleles (0.000062%); no homozygotes.

Submission:

Labcorp Genetics (formerly Invitae), Labcorp
Classification: Uncertain significance for Peroxisome biogenesis disorder, complementation group K. Last evaluated: 2022-02-03. Review status: criteria provided, single submitter. Criteria: Invitae Variant Classification Sherloc (09022015). Collection method: clinical testing. Allele origin: germline.
Comment: In summary, the available evidence is currently insufficient to determine the role of this variant in disease. Therefore, it has been classified as a Variant of Uncertain Significance. Algorithms developed to predict the effect of missense changes on protein structure and function are either unavailable or do not agree on the potential impact of this missense change (SIFT: "Tolerated"; PolyPhen-2: "Not Available"; Align-GVGD: "Class C0"). This variant has not been reported in the literature in individuals affected with PEX14-related conditions. This variant is not present in population databases (gnomAD no frequency). This sequence change replaces proline, which is neutral and non-polar, with serine, which is neutral and polar, at codon 10 of the PEX14 protein (p.Pro10Ser).